The following is an entry in ClinVar:

NM_005529.7(HSPG2):c.9274G>C (p.Val3092Leu)

Gene: HSPG2 (heparan sulfate proteoglycan 2; minus strand). Cytogenetic location: 1p36.12.
Variant type: single nucleotide variant.
Coding change: c.9274G>C on transcript NM_005529.7 (MANE Select); coding-DNA position 9274, G replaced by C.
Protein change: p.Val3092Leu; replaces valine 3092 with leucine.
Molecular consequence: missense variant.
Genome position (GRCh38, 1-based): chr1:21,841,593, C>G on the plus strand (G>C on the coding strand, the complement: HSPG2 is on the minus strand). VCF-style: chr1-21841593-C-G. GRCh37 (hg19) VCF-style: chr1-22168086-C-G.
Other names: c.9277G>C, p.Val3093Leu (NM_001291860.2); short protein forms V3092L, V3093L.
Identifiers: ClinVar variation 2308906 (VCV002308906.5), dbSNP rs369024085, ClinGen allele CA338914825.

ClinVar aggregate classification (germline): Uncertain significance. Review status: criteria provided, multiple submitters, no conflicts (2 of 4 stars). 2 submissions from 2 submitters: Uncertain significance (2). Last evaluated 2024-12-03.

Conditions:
Inborn genetic diseases. Identifiers: MedGen C0950123, MeSH D030342.

gnomAD v4.1: 3 of 1,614,184 alleles (0.00019%); highest among the groups gnomAD compares: Admixed American, 0.0017%; no homozygotes.

Submissions (2):

Labcorp Genetics (formerly Invitae), Labcorp
Classification: Uncertain significance. Last evaluated: 2024-12-03. Review status: criteria provided, single submitter. Criteria: Invitae Variant Classification Sherloc (09022015). Collection method: clinical testing. Allele origin: germline.
Comment: This sequence change replaces valine, which is neutral and non-polar, with leucine, which is neutral and non-polar, at codon 3092 of the HSPG2 protein (p.Val3092Leu). This variant is not present in population databases (gnomAD no frequency). This variant has not been reported in the literature in individuals affected with HSPG2-related conditions. ClinVar contains an entry for this variant (Variation ID: 2308906). An algorithm developed to predict the effect of missense changes on protein structure and function (PolyPhen-2) suggests that this variant is likely to be disruptive. In summary, the available evidence is currently insufficient to determine the role of this variant in disease. Therefore, it has been classified as a Variant of Uncertain Significance.

Ambry Genetics
Classification: Uncertain significance for Inborn genetic diseases. Last evaluated: 2024-09-10. Review status: criteria provided, single submitter. Criteria: Ambry Variant Classification Scheme 2023. Collection method: clinical testing. Allele origin: germline.